The following is an entry in ClinVar:

ClinVar aggregate classification (germline): Uncertain significance (1 of 4 stars; one submission).

gnomAD v4.1: 3 of 1,613,814 alleles (0.00019%); highest among the groups gnomAD compares: African/African-American, 0.0013%; no homozygotes.

Submission:

Women's Health and Genetics/Laboratory Corporation of America, LabCorp
Classification: Uncertain significance. Last evaluated: 2026-01-15. Review status: criteria provided, single submitter. Criteria: LabCorp Variant Classification Summary - May 2015. Collection method: clinical testing. Allele origin: germline.
Comment: Variant summary: COL7A1 c.4279G>A (p.Gly1427Ser) results in a non-conservative amino acid change in the encoded protein sequence. Algorithms developed to predict the effect of missense changes on protein structure and function all suggest that this variant is likely to be disruptive. Several computational tools predict a significant impact on normal splicing: Two predict the variant weakens a 3' acceptor site. Two predict the variant creates a 3' acceptor site. One predicts the variant abolishes a cryptic 3' acceptor site. However, these predictions have yet to be confirmed by functional studies. The variant allele was found at a frequency of 4e-06 in 250934 control chromosomes. The available data on variant occurrences in the general population are insufficient to allow any conclusion about variant significance. To our knowledge, no occurrence of c.4279G>A in individuals affected with COL7A1-related conditions and no experimental evidence demonstrating its impact on protein function have been reported. ClinVar contains an entry for this variant (Variation ID: 4526075). Based on the evidence outlined above, the variant was classified as uncertain significance.

NM_000094.4(COL7A1):c.4279G>A (p.Gly1427Ser)

Gene: COL7A1 (collagen type VII alpha 1 chain; minus strand). Cytogenetic location: 3p21.31.
Variant type: single nucleotide variant.
Coding change: c.4279G>A on transcript NM_000094.4 (MANE Select); coding-DNA position 4279, G replaced by A.
Protein change: p.Gly1427Ser; replaces glycine 1427 with serine.
Molecular consequence: missense variant.
Genome position (GRCh38, 1-based): chr3:48,583,780, C>T on the plus strand (G>A on the coding strand, the complement: COL7A1 is on the minus strand). VCF-style: chr3-48583780-C-T. GRCh37 (hg19) VCF-style: chr3-48621213-C-T.
Other names: short protein forms G1427S.
Identifiers: ClinVar variation 4526075 (VCV004526075.3).